The following is an entry in ClinVar:

NM_001369268.1(ACAN):c.628A>G (p.Arg210Gly)

Gene: ACAN (aggrecan; plus strand). Cytogenetic location: 15q26.1.
Variant type: single nucleotide variant.
Coding change: c.628A>G on transcript NM_001369268.1 (MANE Select); coding-DNA position 628, A replaced by G.
Protein change: p.Arg210Gly; replaces arginine 210 with glycine.
Molecular consequence: missense variant.
Genome position (GRCh38, 1-based): chr15:88,840,185, A>G. VCF-style: chr15-88840185-A-G. GRCh37 (hg19) VCF-style: chr15-89383416-A-G.
Other names: c.628A>G, p.Arg210Gly (NM_001135.4, NM_013227.4); short protein forms R210G.
Identifiers: ClinVar variation 1373452 (VCV001373452.8), dbSNP rs776632256, ClinGen allele CA7719280.

ClinVar aggregate classification (germline): Uncertain significance (1 of 4 stars; one submission).

Allele frequency attached by ClinVar (database versions not stated): gnomAD exomes 0.00001 and 0.00002; ExAC 0.00004.
gnomAD v4.1: 19 of 1,594,044 alleles (0.0012%); highest among the groups gnomAD compares: Admixed American, 0.0069%; no homozygotes.

Submission:

Labcorp Genetics (formerly Invitae), Labcorp
Classification: Uncertain significance. Last evaluated: 2025-10-11. Review status: criteria provided, single submitter. Criteria: Invitae Variant Classification Sherloc (09022015). Collection method: clinical testing. Allele origin: germline.
Comment: This sequence change replaces arginine, which is basic and polar, with glycine, which is neutral and non-polar, at codon 210 of the ACAN protein (p.Arg210Gly). The frequency data for this variant in the population databases is considered unreliable, as metrics indicate poor data quality at this position in the gnomAD database. This variant has not been reported in the literature in individuals affected with ACAN-related conditions. ClinVar contains an entry for this variant (Variation ID: 1373452). Experimental studies and prediction algorithms are not available or were not evaluated, and the functional significance of this variant is currently unknown. In summary, the available evidence is currently insufficient to determine the role of this variant in disease. Therefore, it has been classified as a Variant of Uncertain Significance.